The following is an entry in ClinVar:

ClinVar aggregate classification (germline): Uncertain significance (1 of 4 stars; one submission).

Conditions:
PKD1L1-related disorder. Also called: PKD1L1-related condition.

Submission:

PreventionGenetics, part of Exact Sciences
Classification: Uncertain significance for PKD1L1-related condition. Last evaluated: 2025-09-14. Review status: criteria provided, single submitter. Criteria: ACMG Guidelines, 2015. Collection method: clinical testing. Allele origin: germline.
Comment: The PKD1L1 c.6498G>C variant is predicted to result in the amino acid substitution p.Gln2166His. To our knowledge, this variant has not been reported in the literature or in a large population database (gnomAD), indicating this variant is rare. At this time, the clinical significance of this variant is uncertain due to the absence of conclusive functional and genetic evidence.

NM_138295.5(PKD1L1):c.6498G>C (p.Gln2166His)

Gene: PKD1L1 (polycystin 1 like 1, transient receptor potential channel interacting; minus strand). Cytogenetic location: 7p12.3.
Variant type: single nucleotide variant.
Coding change: c.6498G>C on transcript NM_138295.5 (MANE Select); coding-DNA position 6498, G replaced by C.
Protein change: p.Gln2166His; replaces glutamine 2166 with histidine.
Molecular consequence: missense variant.
Genome position (GRCh38, 1-based): chr7:47,830,100, C>G on the plus strand (G>C on the coding strand, the complement: PKD1L1 is on the minus strand). VCF-style: chr7-47830100-C-G. GRCh37 (hg19) VCF-style: chr7-47869698-C-G.
Other names: short protein forms Q2166H.
Identifiers: ClinVar variation 4994843 (VCV004994843.1).